The following is an entry in ClinVar:

ClinVar aggregate classification (germline): Likely benign. Review status: criteria provided, multiple submitters, no conflicts (2 of 4 stars). 4 submissions from 4 submitters: Likely benign (3). 1 of the submissions does not count toward it. Last evaluated 2025-12-09.

Conditions:
RAI1-related disorder. Also called: RAI1-related condition.

Allele frequency attached by ClinVar (database versions not stated): ExAC 0.00004; gnomAD 0.00004; gnomAD exomes 0.00004 and 0.00010; TOPMed 0.00004; ESP Exome Variant Server 0.00015.
gnomAD v4.1: 151 of 1,613,690 alleles (0.0094%); highest among the groups gnomAD compares: Non-Finnish European, 0.013%; no homozygotes.

Submissions (4):

Labcorp Genetics (formerly Invitae), Labcorp
Classification: Likely benign. Last evaluated: 2025-12-09. Review status: criteria provided, single submitter. Criteria: Invitae Variant Classification Sherloc (09022015). Collection method: clinical testing. Allele origin: germline.

Blueprint Genetics
Classification: Likely benign. Last evaluated: 2023-08-28. Review status: criteria provided, single submitter. Criteria: ACMG Guidelines, 2015. Collection method: clinical testing. Allele origin: germline.

CeGaT Center for Human Genetics Tuebingen
Classification: Likely benign. Last evaluated: 2021-03-01. Review status: criteria provided, single submitter. Criteria: CeGaT Center For Human Genetics Tuebingen Variant Classification Criteria Version 2. Collection method: clinical testing. Allele origin: germline. Affected: yes. Observed: 1 variant allele.

PreventionGenetics, part of Exact Sciences
Classification: Likely benign for RAI1-related condition. Last evaluated: 2020-12-31. Review status: no assertion criteria provided. Collection method: clinical testing. Allele origin: germline. Not counted in ClinVar's aggregate classification.
Comment: This variant is classified as likely benign based on ACMG/AMP sequence variant interpretation guidelines (Richards et al. 2015 PMID: 25741868, with internal and published modifications).

NM_030665.4(RAI1):c.4266C>T (p.Asp1422=)

Gene: RAI1 (retinoic acid induced 1; plus strand). Cytogenetic location: 17p11.2.
Variant type: single nucleotide variant.
Coding change: c.4266C>T on transcript NM_030665.4 (MANE Select); coding-DNA position 4266, C replaced by T.
Protein change: p.Asp1422=; no amino-acid change (aspartic acid 1422 retained).
Molecular consequence: synonymous variant.
Genome position (GRCh38, 1-based): chr17:17,797,214, C>T. VCF-style: chr17-17797214-C-T. GRCh37 (hg19) VCF-style: chr17-17700528-C-T.
Other names: c.4266C>T (NM_030665.3).
Identifiers: ClinVar variation 1176047 (VCV001176047.43), dbSNP rs376428032, ClinGen allele CA8418918.